The following is an entry in ClinVar:

ClinVar aggregate classification (germline): Uncertain significance. Review status: criteria provided, multiple submitters, no conflicts (2 of 4 stars). 2 submissions from 2 submitters: Uncertain significance (2). Last evaluated 2024-08-20.

Allele frequency attached by ClinVar (database versions not stated): ExAC 0.00003; gnomAD 0.00003; TOPMed 0.00003; gnomAD exomes 0.00006.

Submissions (2):

Ambry Genetics
Classification: Uncertain significance. Last evaluated: 2024-08-20. Review status: criteria provided, single submitter. Criteria: Ambry Variant Classification Scheme 2023. Collection method: clinical testing. Allele origin: germline.

Labcorp Genetics (formerly Invitae), Labcorp
Classification: Uncertain significance. Last evaluated: 2024-07-22. Review status: criteria provided, single submitter. Criteria: Invitae Variant Classification Sherloc (09022015). Collection method: clinical testing. Allele origin: germline.
Comment: This sequence change replaces alanine, which is neutral and non-polar, with threonine, which is neutral and polar, at codon 596 of the CRAT protein (p.Ala596Thr). This variant is present in population databases (rs775660177, gnomAD 0.02%). This variant has not been reported in the literature in individuals affected with CRAT-related conditions. ClinVar contains an entry for this variant (Variation ID: 2190140). An algorithm developed to predict the effect of missense changes on protein structure and function (PolyPhen-2) suggests that this variant is likely to be tolerated. In summary, the available evidence is currently insufficient to determine the role of this variant in disease. Therefore, it has been classified as a Variant of Uncertain Significance.

NM_000755.5(CRAT):c.1786G>A (p.Ala596Thr)

Gene: CRAT (carnitine O-acetyltransferase; minus strand). Cytogenetic location: 9q34.11.
Variant type: single nucleotide variant.
Coding change: c.1786G>A on transcript NM_000755.5 (MANE Select); coding-DNA position 1786, G replaced by A.
Protein change: p.Ala596Thr; replaces alanine 596 with threonine.
Molecular consequence: missense variant.
Genome position (GRCh38, 1-based): chr9:129,095,492, C>T on the plus strand (G>A on the coding strand, the complement: CRAT is on the minus strand). VCF-style: chr9-129095492-C-T. GRCh37 (hg19) VCF-style: chr9-131857771-C-T.
Other names: c.1723G>A, p.Ala575Thr (NM_001257363.3, NM_004003.4); c.1789G>A, p.Ala597Thr (NM_001346546.2); c.1714G>A, p.Ala572Thr (NM_001346547.2); c.1651G>A, p.Ala551Thr (NM_001346548.2); c.1666G>A, p.Ala556Thr (NM_001346549.2); c.1786G>A (NM_000755.3); short protein forms A596T, A575T, A597T, A551T, A556T, A572T.
Identifiers: ClinVar variation 2190140 (VCV002190140.5), dbSNP rs775660177, ClinGen allele CA5275247.